The following is an entry in ClinVar:

NM_000271.5(NPC1):c.2044_2045insGTCATACACATCTG (p.Leu682fs)

Gene: NPC1 (NPC intracellular cholesterol transporter 1; minus strand). Cytogenetic location: 18q11.2.
Variant type: Insertion.
Coding change: c.2044_2045insGTCATACACATCTG on transcript NM_000271.5 (MANE Select); coding-DNA positions 2044 to 2045, GTCATACACATCTG inserted.
Protein change: p.Leu682fs; shifts the reading frame from leucine 682.
Molecular consequence: frameshift variant.
Genome position: GRCh38 VCF-style: chr18-23544429-A-ACAGATGTGTATGAC. GRCh37 (hg19) VCF-style: chr18-21124393-A-ACAGATGTGTATGAC.
Other names: short protein forms L682fs.
Identifiers: ClinVar variation 1726176 (VCV001726176.2), dbSNP rs2511235321, ClinGen allele CA2580095610.

ClinVar aggregate classification (germline): Likely pathogenic (1 of 4 stars; one submission).

Conditions:
Niemann-Pick disease, type C1. Also called: NEUROVISCERAL STORAGE DISEASE WITH VERTICAL SUPRANUCLEAR OPHTHALMOPLEGIA; NIEMANN-PICK DISEASE WITH CHOLESTEROL ESTERIFICATION BLOCK; NIEMANN-PICK DISEASE WITHOUT SPHINGOMYELINASE DEFICIENCY; NIEMANN-PICK DISEASE, CHRONIC NEURONOPATHIC FORM; NIEMANN-PICK DISEASE, VARIANT TYPE C1. Identifiers: Orphanet 646, MedGen C3179455, MONDO:0009757, OMIM 257220.

Submission:

Myriad Genetics, Inc.
Classification: Likely pathogenic for Niemann-Pick disease, type C1. Last evaluated: 2021-12-09. Review status: criteria provided, single submitter. Criteria: Myriad Women's Health Autosomal Recessive and X-Linked Classification Criteria (2021). Collection method: clinical testing. Allele origin: unknown.
Comment: NM_000271.4(NPC1):c.2044_2045ins14(L682Cfs*6) is expected to be pathogenic in the context of Niemann-Pick disease type C1. This variant is predicted to lead to an abnormal or absent protein product due to the creation of a premature termination codon in NPC1, a gene where loss-of-function variants are known to be pathogenic. Please note: this variant was assessed in the context of healthy population screening.